The following is an entry in ClinVar:

ClinVar aggregate classification (germline): Uncertain significance (1 of 4 stars; one submission).

Conditions:
Autosomal recessive limb-girdle muscular dystrophy type 2J (LGMDR10). Also called: Limb-girdle muscular dystrophy, type 2J; MUSCULAR DYSTROPHY, LIMB-GIRDLE, AUTOSOMAL RECESSIVE 10. Identifiers: Orphanet 140922, MedGen C1837342, MONDO:0012127, OMIM 608807.
Dilated cardiomyopathy 1G (CMD1G). Identifiers: Orphanet 154, MedGen C1858763, MONDO:0011400, OMIM 604145.

Submission:

Labcorp Genetics (formerly Invitae), Labcorp
Classification: Uncertain significance for Dilated cardiomyopathy 1G; Autosomal recessive limb-girdle muscular dystrophy type 2J. Last evaluated: 2025-06-03. Review status: criteria provided, single submitter. Criteria: Invitae Variant Classification Sherloc (09022015). Collection method: clinical testing. Allele origin: germline.
Comment: This sequence change replaces alanine, which is neutral and non-polar, with threonine, which is neutral and polar, at codon 23022 of the TTN protein (p.Ala23022Thr). This variant is not present in population databases (gnomAD no frequency). This variant has not been reported in the literature in individuals affected with TTN-related conditions. Experimental studies and prediction algorithms are not available or were not evaluated, and the functional significance of this variant is currently unknown. In summary, the available evidence is currently insufficient to determine the role of this variant in disease. Therefore, it has been classified as a Variant of Uncertain Significance.

NM_001267550.2(TTN):c.69064G>A (p.Ala23022Thr)

Genes: TTN (titin; minus strand), TTN-AS1 (TTN antisense RNA 1; plus strand). Cytogenetic location: 2q31.2.
Variant type: single nucleotide variant.
Coding change: c.69064G>A on transcript NM_001267550.2 (MANE Select); coding-DNA position 69064, G replaced by A.
Protein change: p.Ala23022Thr; replaces alanine 23022 with threonine.
Molecular consequence: missense variant.
Genome position (GRCh38, 1-based): chr2:178,577,271, C>T on the plus strand (G>A on the coding strand, the complement: TTN is on the minus strand). VCF-style: chr2-178577271-C-T. GRCh37 (hg19) VCF-style: chr2-179441998-C-T.
Other names: c.64141G>A, p.Ala21381Thr (NM_001256850.1); c.41869G>A, p.Ala13957Thr (NM_003319.4); c.61360G>A, p.Ala20454Thr (NM_133378.4); c.42244G>A, p.Ala14082Thr (NM_133432.3); c.42445G>A, p.Ala14149Thr (NM_133437.4); short protein forms A13957T, A14082T, A21381T, A23022T, A14149T, A20454T.
Identifiers: ClinVar variation 4790609 (VCV004790609.1).